The following is an entry in ClinVar:

ClinVar aggregate classification (germline): Benign. Review status: criteria provided, multiple submitters, no conflicts (2 of 4 stars). 3 submissions from 3 submitters: Benign (3). Last evaluated 2024-07-15.

Allele frequency attached by ClinVar (database versions not stated): gnomAD 0.37769 and 0.37484; TOPMed 0.36571; gnomAD exomes 0.38309; 1000 Genomes Project 30x 0.38413; 1000 Genomes Project 0.38618.

Submissions (12):

Unidad de Genómica Garrahan, Hospital de Pediatría Garrahan
Classification: Benign. Last evaluated: 2024-07-15. Review status: criteria provided, single submitter. Criteria: ACMG Guidelines, 2015. Collection method: clinical testing. Allele origin: germline. Affected: no. Observed: 42 variant alleles.
Comment: This variant is classified as Benign based on local population frequency. This variant was detected in 45% of patients studied in a panel designed for Epileptic and Developmental Encephalopathy and Progressive Myoclonus Epilepsy. Number of patients: 42. Only high quality variants are reported.

GeneDx
Classification: Benign. Last evaluated: 2018-07-15. Review status: criteria provided, single submitter. Criteria: GeneDx Variant Classification Process June 2021. Collection method: clinical testing. Allele origin: germline. Affected: yes.

Breakthrough Genomics
Classification: Benign. Review status: criteria provided, single submitter. Criteria: ACMG Guidelines, 2015. Collection method: not provided. Allele origin: germline. Inheritance: Autosomal recessive inheritance. Affected: yes.

Dr. Peter K. Rogan Lab, Western University
No classification provided (evidence only). Condition: Malignant lymphoma, large B-cell, diffuse. Review status: no classification provided. Collection method: in vitro. Allele origin: not applicable. Functional consequence: retained intron. Not counted in ClinVar's aggregate classification.

Dr. Peter K. Rogan Lab, Western University
No classification provided (evidence only). Condition: Malignant lymphoma, large B-cell, diffuse. Review status: no classification provided. Collection method: in vitro. Allele origin: not applicable. Functional consequence: retained intron. Not counted in ClinVar's aggregate classification.

Dr. Peter K. Rogan Lab, Western University
No classification provided (evidence only). Condition: Malignant lymphoma, large B-cell, diffuse. Review status: no classification provided. Collection method: in vitro. Allele origin: not applicable. Functional consequence: retained intron. Not counted in ClinVar's aggregate classification.

Dr. Peter K. Rogan Lab, Western University
No classification provided (evidence only). Condition: Malignant lymphoma, large B-cell, diffuse. Review status: no classification provided. Collection method: in vitro. Allele origin: not applicable. Functional consequence: retained intron. Not counted in ClinVar's aggregate classification.

Dr. Peter K. Rogan Lab, Western University
No classification provided (evidence only). Condition: Malignant lymphoma, large B-cell, diffuse. Review status: no classification provided. Collection method: in vitro. Allele origin: not applicable. Functional consequence: retained intron. Not counted in ClinVar's aggregate classification.

Dr. Peter K. Rogan Lab, Western University
No classification provided (evidence only). Condition: Malignant lymphoma, large B-cell, diffuse. Review status: no classification provided. Collection method: in vitro. Allele origin: not applicable. Functional consequence: retained intron. Not counted in ClinVar's aggregate classification.

Dr. Peter K. Rogan Lab, Western University
No classification provided (evidence only). Condition: Malignant lymphoma, large B-cell, diffuse. Review status: no classification provided. Collection method: in vitro. Allele origin: not applicable. Functional consequence: retained intron. Not counted in ClinVar's aggregate classification.

Dr. Peter K. Rogan Lab, Western University
No classification provided (evidence only). Condition: Malignant lymphoma, large B-cell, diffuse. Review status: no classification provided. Collection method: in vitro. Allele origin: not applicable. Functional consequence: retained intron. Not counted in ClinVar's aggregate classification.

Dr. Peter K. Rogan Lab, Western University
No classification provided (evidence only). Condition: Hepatocellular carcinoma. Review status: no classification provided. Collection method: in vitro. Allele origin: not applicable. Functional consequence: retained intron. Not counted in ClinVar's aggregate classification.

NM_001673.5(ASNS):c.904-85A>G

Genes: ASNS (asparagine synthetase (glutamine-hydrolyzing); minus strand), CZ1P-ASNS (CZ1P-ASNS readthrough; minus strand). Cytogenetic location: 7q21.3.
Variant type: single nucleotide variant.
Coding change: c.904-85A>G on transcript NM_001673.5 (MANE Select); 85 bases into the intron before coding-DNA position 904, A replaced by G.
Molecular consequence: intron variant.
Genome position (GRCh38, 1-based): chr7:97,856,901, T>C on the plus strand (A>G on the coding strand, the complement: ASNS is on the minus strand). VCF-style: chr7-97856901-T-C. GRCh37 (hg19) VCF-style: chr7-97486213-T-C.
Other names: NC_000007.13:g.97486213T>C; c.904-85A>G (NM_001352496.2, NM_183356.4, NM_133436.3); c.655-85A>G (NM_001178076.2, NM_001178077.1); c.841-85A>G (NM_001178075.2).
Identifiers: ClinVar variation 1272936 (VCV001272936.5), dbSNP rs2074891, ClinGen allele CA15492029.